The following is an entry in ClinVar:

NM_001111067.4(ACVR1):c.*152G>A

Gene: ACVR1 (activin A receptor type 1; minus strand). Cytogenetic location: 2q24.1.
Variant type: single nucleotide variant.
Coding change: c.*152G>A on transcript NM_001111067.4 (MANE Select); 152 bases downstream of the stop codon, G replaced by A.
Molecular consequence: 3 prime UTR variant.
Genome position (GRCh38, 1-based): chr2:157,737,379, C>T on the plus strand (G>A on the coding strand, the complement: ACVR1 is on the minus strand). VCF-style: chr2-157737379-C-T. GRCh37 (hg19) VCF-style: chr2-158593891-C-T.
Other names: c.*152G>A (NM_001105.5, NM_001347663.1, NM_001347664.1 and 3 more transcripts).
Identifiers: ClinVar variation 331684 (VCV000331684.5), dbSNP rs373670847, ClinGen allele CA10611074.

ClinVar aggregate classification (germline): Benign (1 of 4 stars; one submission).

Conditions:
Progressive myositis ossificans (FOP). Also called: Myositis ossificans progressiva; Progressive ossifying myositis; Fibrodysplasia Ossificans Progressiva. Identifiers: Orphanet 337, MedGen C0016037, MONDO:0007606, OMIM 135100.

Allele frequency attached by ClinVar (database versions not stated): gnomAD 0.00001 and 0.00068; TOPMed 0.00012; 1000 Genomes Project 30x 0.00359; 1000 Genomes Project 0.00419.
gnomAD v4.1: 1,531 of 1,026,622 alleles (0.15%); highest among the groups gnomAD compares: South Asian, 1.9%; 29 homozygotes.

Submission:

Illumina Laboratory Services, Illumina
Classification: Benign for Progressive myositis ossificans. Last evaluated: 2018-01-13. Review status: criteria provided, single submitter. Criteria: ICSL Variant Classification Criteria 13 December 2019. Collection method: clinical testing. Allele origin: germline.
Comment: This variant was observed in the ICSL laboratory as part of a predisposition screen in an ostensibly healthy population. It had not been previously curated by ICSL or reported in the Human Gene Mutation Database (HGMD: prior to June 1st, 2018), and was therefore a candidate for classification through an automated scoring system. Utilizing variant allele frequency, disease prevalence and penetrance estimates, and inheritance mode, an automated score was calculated to assess if this variant is too frequent to cause the disease. Based on the score and internal cut-off values, a variant classified as benign is not then subjected to further curation. The score for this variant resulted in a classification of benign for this disease.